The following is an entry in ClinVar:

NM_194318.4(B3GLCT):c.1390A>C (p.Lys464Gln)

Gene: B3GLCT (beta 3-glucosyltransferase; plus strand). Cytogenetic location: 13q12.3.
Variant type: single nucleotide variant.
Coding change: c.1390A>C on transcript NM_194318.4 (MANE Select); coding-DNA position 1390, A replaced by C.
Protein change: p.Lys464Gln; replaces lysine 464 with glutamine.
Molecular consequence: missense variant.
Genome position (GRCh38, 1-based): chr13:31,329,561, A>C. VCF-style: chr13-31329561-A-C. GRCh37 (hg19) VCF-style: chr13-31903698-A-C.
Other names: short protein forms K464Q.
Identifiers: ClinVar variation 2636093 (VCV002636093.1), dbSNP rs759163560, ClinGen allele CA6936925.
Genomic context (GRCh38, chr13:31,329,561, plus strand): 5'-GCTCGGCCGGTGGATTACCCTAAGGACTACCTTTCTCATCAAGTTCCCATATCGTTCCAC[A>C]AACACTGGAACATCGATCCAGTGAAGGTGTATTTCACATGGTTGGCACCCAGTGACGAAG-3'
Protein context (NP_919299.3, residues 454-474): LSHQVPISFH[Lys464Gln]HWNIDPVKVY

ClinVar aggregate classification (germline): Uncertain significance (1 of 4 stars; one submission).

Conditions:
B3GLCT-related disorder. Also called: B3GLCT-related condition.

Allele frequency attached by ClinVar (database versions not stated): ExAC 0.00001; gnomAD 0.00002; TOPMed 0.00002.
gnomAD v4.1: 3 of 1,614,102 alleles (0.00019%); highest among the groups gnomAD compares: African/African-American, 0.004%; no homozygotes.

Submission:

PreventionGenetics, part of Exact Sciences
Classification: Uncertain significance for B3GLCT-related condition. Last evaluated: 2023-08-16. Review status: criteria provided, single submitter. Criteria: ACMG Guidelines, 2015. Collection method: clinical testing. Allele origin: germline.
Comment: The B3GLCT c.1390A>C variant is predicted to result in the amino acid substitution p.Lys464Gln. To our knowledge, this variant has not been reported in the literature. This variant is reported in 0.0080% of alleles in individuals of African descent in gnomAD. At this time, the clinical significance of this variant is uncertain due to the absence of conclusive functional and genetic evidence.